The following is an entry in ClinVar:

NM_003482.4(KMT2D):c.2798-7del

Gene: KMT2D (lysine methyltransferase 2D; minus strand). Cytogenetic location: 12q13.12.
Variant type: Deletion.
Coding change: c.2798-7del on transcript NM_003482.4 (MANE Select); 7 bases into the intron before coding-DNA position 2798, one base deleted (C; older notation c.2798-7delC).
Molecular consequence: intron variant.
Genome position (GRCh38, 1-based): chr12:49,050,797, G deleted on the plus strand (C on the coding strand, the reverse complement: KMT2D is on the minus strand); the first of 2 consecutive G bases (chr12:49,050,797-49,050,798); deleting either gives the same sequence. VCF-style (leftmost placement, unchanged base first): chr12-49050796-AG-A. GRCh37 (hg19) VCF-style: chr12-49444579-AG-A.
Identifiers: ClinVar variation 193865 (VCV000193865.37), dbSNP rs112620957, ClinGen allele CA200823.

ClinVar aggregate classification (germline): Benign/Likely benign. Review status: criteria provided, multiple submitters, no conflicts (2 of 4 stars). 9 submissions from 9 submitters: Benign (4); Likely benign (3). 2 of the submissions do not count toward it. Last evaluated 2026-07-01.

Conditions:
Kabuki syndrome. Also called: NIIKAWA-KUROKI SYNDROME; Kabuki make-up syndrome. Identifiers: Orphanet 2322, MedGen C0796004, MONDO:0016512.
Kabuki syndrome 1 (KABUK1). Also called: KMT2D-Related Kabuki Syndrome. Identifiers: Orphanet 2322, MedGen CN030661, MONDO:0007843, OMIM 147920.

Submissions (9):

CeGaT Center for Human Genetics Tuebingen
Classification: Likely benign. Last evaluated: 2026-07-01. Review status: criteria provided, single submitter. Criteria: CeGaT Center For Human Genetics Tuebingen Variant Classification Criteria Version 2. Collection method: clinical testing. Allele origin: germline. Affected: yes. Observed: 2 variant alleles.
Comment: KMT2D: BP4, BS1

Labcorp Genetics (formerly Invitae), Labcorp
Classification: Benign for Kabuki syndrome. Last evaluated: 2026-01-27. Review status: criteria provided, single submitter. Criteria: Invitae Variant Classification Sherloc (09022015). Collection method: clinical testing. Allele origin: germline.

Blueprint Genetics
Classification: Likely benign. Last evaluated: 2024-09-23. Review status: criteria provided, single submitter. Criteria: ACMG Guidelines, 2015. Collection method: clinical testing. Allele origin: germline.

GeneDx
Classification: Likely benign. Last evaluated: 2021-05-11. Review status: criteria provided, single submitter. Criteria: GeneDx Variant Classification Process June 2021. Collection method: clinical testing. Allele origin: germline. Affected: yes.

ARUP Laboratories, Molecular Genetics and Genomics, ARUP Laboratories
Classification: Benign for Kabuki syndrome 1. Last evaluated: 2020-08-27. Review status: criteria provided, single submitter. Criteria: ARUP Molecular Germline Variant Investigation Process. Collection method: clinical testing. Allele origin: germline.

Genetic Services Laboratory, University of Chicago
Classification: Benign. Last evaluated: 2017-06-16. Review status: criteria provided, single submitter. Criteria: ACMG Guidelines, 2015. Collection method: clinical testing. Allele origin: germline. Affected: no.

Eurofins Ntd Llc (ga)
Classification: Benign. Last evaluated: 2014-09-10. Review status: criteria provided, single submitter. Criteria: EGL Classification Definitions 2015. Collection method: clinical testing. Allele origin: germline. Observed: 1 variant allele, 1 heterozygote.

Clinical Genetics DNA and cytogenetics Diagnostics Lab, Erasmus MC, Erasmus Medical Center
Classification: Benign. Review status: no assertion criteria provided. Collection method: clinical testing. Allele origin: germline. Affected: yes. Study: VKGL Data-share Consensus. Not counted in ClinVar's aggregate classification.

Laboratory of Diagnostic Genome Analysis, Leiden University Medical Center (LUMC)
Classification: Likely benign. Review status: no assertion criteria provided. Collection method: clinical testing. Allele origin: germline. Affected: yes. Study: VKGL Data-share Consensus. Not counted in ClinVar's aggregate classification.